The following is an entry in ClinVar:

NM_001395159.1(UNC79):c.3575-6G>T

Gene: UNC79 (unc-79 subunit of NALCN channel complex; plus strand). Cytogenetic location: 14q32.12.
Variant type: single nucleotide variant.
Coding change: c.3575-6G>T on transcript NM_001395159.1 (MANE Select); 6 bases into the intron before coding-DNA position 3575, G replaced by T.
Molecular consequence: intron variant.
Genome position (GRCh38, 1-based): chr14:93,603,233, G>T. VCF-style: chr14-93603233-G-T. GRCh37 (hg19) VCF-style: chr14-94069579-G-T.
Other names: c.3044-6G>T (NM_020818.5); c.3575-6G>T (NM_001346218.2).
Identifiers: ClinVar variation 4085052 (VCV004085052.8).

ClinVar aggregate classification (germline): Uncertain significance (1 of 4 stars; one submission).

Submission:

CeGaT Center for Human Genetics Tuebingen
Classification: Uncertain significance. Last evaluated: 2025-06-01. Review status: criteria provided, single submitter. Criteria: CeGaT Center For Human Genetics Tuebingen Variant Classification Criteria Version 2. Collection method: clinical testing. Allele origin: germline. Affected: yes. Observed: 1 variant allele.
Comment: UNC79: PM2, BP4